The following is an entry in ClinVar:

ClinVar aggregate classification (germline): Pathogenic (1 of 4 stars; one submission).

Submission:

Labcorp Genetics (formerly Invitae), Labcorp
Classification: Pathogenic. Last evaluated: 2025-07-21. Review status: criteria provided, single submitter. Criteria: Invitae Variant Classification Sherloc (09022015). Collection method: clinical testing. Allele origin: germline.
Comment: This sequence change creates a premature translational stop signal (p.Ser582Thrfs*15) in the PLD1 gene. It is expected to result in an absent or disrupted protein product. Loss-of-function variants in PLD1 are known to be pathogenic (PMID: 27799408, 33645542). This variant is present in population databases (no rsID available, gnomAD 0.007%). This variant has not been reported in the literature in individuals affected with PLD1-related conditions. For these reasons, this variant has been classified as Pathogenic.

Literature cited by the submitters: PubMed 27799408; PubMed 33645542.

NM_002662.5(PLD1):c.1745del (p.Ser582fs)

Gene: PLD1 (phospholipase D1; minus strand). Cytogenetic location: 3q26.31.
Variant type: Deletion.
Coding change: c.1745del on transcript NM_002662.5 (MANE Select); coding-DNA position 1745, one base deleted (G; older notation c.1745delG).
Protein change: p.Ser582fs; shifts the reading frame from serine 582.
Molecular consequence: frameshift variant.
Genome position (GRCh38, 1-based): chr3:171,687,379, C deleted on the plus strand (G on the coding strand, the reverse complement: PLD1 is on the minus strand). VCF-style (leftmost placement, unchanged base first): chr3-171687378-GC-G. GRCh37 (hg19) VCF-style: chr3-171405168-GC-G.
Other names: c.1745del, p.Ser582fs (NM_001130081.3); short protein forms S582fs.
Identifiers: ClinVar variation 4748179 (VCV004748179.1).